The following is an entry in ClinVar:

NM_017780.4(CHD7):c.1848del (p.Asp618fs)

Genes: CHD7 (chromodomain helicase DNA binding protein 7; plus strand), LOC126860403 (CDK7 strongly-dependent group 2 enhancer GRCh37_chr8:61693034-61694233; plus strand). Cytogenetic location: 8q12.2.
Variant type: Deletion.
Coding change: c.1848del on transcript NM_017780.4 (MANE Select); coding-DNA position 1848, one base deleted (T; older notation c.1848delT).
Protein change: p.Asp618fs; shifts the reading frame from aspartic acid 618.
Molecular consequence: frameshift variant. On other transcripts: intron variant (1).
Genome position (GRCh38, 1-based): chr8:60,781,182, T deleted. VCF-style (leftmost placement, unchanged base first): chr8-60781181-GT-G. GRCh37 (hg19) VCF-style: chr8-61693740-GT-G.
Other names: c.1716+132del (NM_001316690.1); short protein forms D618fs.
Identifiers: ClinVar variation 1032763 (VCV001032763.1), dbSNP rs1811207509, ClinGen allele CA1788144895.

ClinVar aggregate classification (germline): Pathogenic (1 of 4 stars; one submission).

Conditions:
CHARGE syndrome (CHARGE). Also called: Hittner Hirsch Kreh syndrome; Coloboma, heart anomaly, choanal atresia, retardation, genital and ear anomalies; CHARGE association; Hall-Hittner syndrome; CHARGE ASSOCIATION--COLOBOMA, HEART ANOMALY, CHOANAL ATRESIA, RETARDATION, GENITAL AND EAR ANOMALIES. Identifiers: Orphanet 138, MedGen C0265354, MONDO:0008965.

Submission:

Baylor Genetics
Classification: Pathogenic for CHD7-related CHARGE syndrome. Last evaluated: 2018-09-05. Review status: criteria provided, single submitter. Criteria: ACMG Guidelines, 2015. Collection method: clinical testing. Allele origin: de novo. Affected: yes.
Comment: This variant was determined to be pathogenic according to ACMG Guidelines, 2015 [PMID:25741868].